The following is an entry in ClinVar:

ClinVar aggregate classification (germline): Uncertain significance. Review status: criteria provided, multiple submitters, no conflicts (2 of 4 stars). 2 submissions from 2 submitters: Uncertain significance (2). Last evaluated 2025-09-26.

Conditions:
Hereditary cancer-predisposing syndrome. Also called: Neoplastic Syndromes, Hereditary; Tumor predisposition; Hereditary Cancer Syndrome; Hereditary neoplastic syndrome. Identifiers: Orphanet 140162, MedGen C0027672, MeSH D009386, MONDO:0015356.

Submissions (2):

Ambry Genetics
Classification: Uncertain significance for Hereditary cancer-predisposing syndrome. Last evaluated: 2025-09-26. Review status: criteria provided, single submitter. Criteria: Ambry Variant Classification Scheme 2023. Collection method: clinical testing. Allele origin: germline.

Labcorp Genetics (formerly Invitae), Labcorp
Classification: Uncertain significance. Last evaluated: 2024-06-07. Review status: criteria provided, single submitter. Criteria: Invitae Variant Classification Sherloc (09022015). Collection method: clinical testing. Allele origin: germline.
Comment: This sequence change replaces leucine, which is neutral and non-polar, with isoleucine, which is neutral and non-polar, at codon 58 of the XRCC2 protein (p.Leu58Ile). This variant is not present in population databases (gnomAD no frequency). This variant has not been reported in the literature in individuals affected with XRCC2-related conditions. ClinVar contains an entry for this variant (Variation ID: 1778939). Advanced modeling of protein sequence and biophysical properties (such as structural, functional, and spatial information, amino acid conservation, physicochemical variation, residue mobility, and thermodynamic stability) performed at Invitae indicates that this missense variant is not expected to disrupt XRCC2 protein function with a negative predictive value of 80%. In summary, the available evidence is currently insufficient to determine the role of this variant in disease. Therefore, it has been classified as a Variant of Uncertain Significance.

NM_005431.2(XRCC2):c.172C>A (p.Leu58Ile)

Gene: XRCC2 (X-ray repair cross complementing 2; minus strand). Cytogenetic location: 7q36.1.
Variant type: single nucleotide variant.
Coding change: c.172C>A on transcript NM_005431.2 (MANE Select); coding-DNA position 172, C replaced by A.
Protein change: p.Leu58Ile; replaces leucine 58 with isoleucine.
Molecular consequence: missense variant.
Genome position (GRCh38, 1-based): chr7:152,649,313, G>T on the plus strand (C>A on the coding strand, the complement: XRCC2 is on the minus strand). VCF-style: chr7-152649313-G-T. GRCh37 (hg19) VCF-style: chr7-152346398-G-T.
Other names: short protein forms L58I.
Identifiers: ClinVar variation 1778939 (VCV001778939.5), dbSNP rs1030204779, ClinGen allele CA169486958.